The following is an entry in ClinVar:

ClinVar aggregate classification (germline): Uncertain significance (1 of 4 stars; one submission).

Submission:

Labcorp Genetics (formerly Invitae), Labcorp
Classification: Uncertain significance. Last evaluated: 2024-11-05. Review status: criteria provided, single submitter. Criteria: Invitae Variant Classification Sherloc (09022015). Collection method: clinical testing. Allele origin: germline.
Comment: This sequence change replaces glutamic acid, which is acidic and polar, with glutamine, which is neutral and polar, at codon 91 of the COL9A2 protein (p.Glu91Gln). This variant is not present in population databases (gnomAD no frequency). This variant has not been reported in the literature in individuals affected with COL9A2-related conditions. ClinVar contains an entry for this variant (Variation ID: 2844799). Invitae Evidence Modeling of protein sequence and biophysical properties (such as structural, functional, and spatial information, amino acid conservation, physicochemical variation, residue mobility, and thermodynamic stability) indicates that this missense variant is not expected to disrupt COL9A2 protein function with a negative predictive value of 95%. In summary, the available evidence is currently insufficient to determine the role of this variant in disease. Therefore, it has been classified as a Variant of Uncertain Significance.

NM_001852.4(COL9A2):c.271G>C (p.Glu91Gln)

Gene: COL9A2 (collagen type IX alpha 2 chain; minus strand). Cytogenetic location: 1p34.2.
Variant type: single nucleotide variant.
Coding change: c.271G>C on transcript NM_001852.4 (MANE Select); coding-DNA position 271, G replaced by C.
Protein change: p.Glu91Gln; replaces glutamic acid 91 with glutamine.
Molecular consequence: missense variant.
Genome position (GRCh38, 1-based): chr1:40,312,763, C>G on the plus strand (G>C on the coding strand, the complement: COL9A2 is on the minus strand). VCF-style: chr1-40312763-C-G. GRCh37 (hg19) VCF-style: chr1-40778435-C-G.
Other names: short protein forms E91Q.
Identifiers: ClinVar variation 2844799 (VCV002844799.3), dbSNP rs1470868322, ClinGen allele CA339857517.